The following is an entry in ClinVar:

NM_001394062.1(MACF1):c.14471C>T (p.Ala4824Val)

Gene: MACF1 (microtubule actin crosslinking factor 1; plus strand). Cytogenetic location: 1p34.3.
Variant type: single nucleotide variant.
Coding change: c.14471C>T on transcript NM_001394062.1 (MANE Select); coding-DNA position 14471, C replaced by T.
Protein change: p.Ala4824Val; replaces alanine 4824 with valine.
Molecular consequence: missense variant.
Genome position (GRCh38, 1-based): chr1:39,387,313, C>T. VCF-style: chr1-39387313-C-T. GRCh37 (hg19) VCF-style: chr1-39852985-C-T.
Other names: c.8285C>T, p.Ala2762Val (NM_012090.5); short protein forms A2762V, A4824V.
Identifiers: ClinVar variation 2039439 (VCV002039439.11), dbSNP rs143660961, ClinGen allele CA782256.

ClinVar aggregate classification (germline): Conflicting classifications of pathogenicity. Review status: criteria provided, conflicting classifications (1 of 4 stars). 7 submissions from 7 submitters: Uncertain significance (1); Likely benign (5). 1 of the submissions does not count toward it. Last evaluated 2026-04-07.

Conditions:
MACF1-related disorder. Also called: MACF1-related condition.
Inborn genetic diseases. Identifiers: MedGen C0950123, MeSH D030342.
Lissencephaly 9 with complex brainstem malformation. Identifiers: Orphanet 572013, MedGen C5193029, MONDO:0032677, OMIM 618325.

Allele frequency attached by ClinVar (database versions not stated): ExAC 0.00008; 1000 Genomes Project 30x 0.00016; 1000 Genomes Project 0.00020; gnomAD 0.00031; ESP Exome Variant Server 0.00015; TOPMed 0.00027.
gnomAD v4.1: 273 of 1,614,162 alleles (0.017%); highest among the groups gnomAD compares: Middle Eastern, 0.13%; no homozygotes.

Submissions (7):

GeneDx
Classification: Uncertain significance. Last evaluated: 2026-04-07. Review status: criteria provided, single submitter. Criteria: GeneDx Variant Classification Process June 2021. Collection method: clinical testing. Allele origin: germline.
Comment: In silico analysis supports that this missense variant has a deleterious effect on protein structure/function; Has not been previously published as pathogenic or benign to our knowledge

Labcorp Genetics (formerly Invitae), Labcorp
Classification: Likely benign. Last evaluated: 2026-01-27. Review status: criteria provided, single submitter. Criteria: Invitae Variant Classification Sherloc (09022015). Collection method: clinical testing. Allele origin: germline.

Laboratory of Genetics, Children's Clinical University Hospital Latvia
Classification: Likely benign. Last evaluated: 2025-02-16. Review status: criteria provided, single submitter. Criteria: ACMG Guidelines, 2015. Collection method: clinical testing. Allele origin: germline. Affected: yes.

Genome-Nilou Lab
Classification: Likely benign for Lissencephaly 9 with complex brainstem malformation. Last evaluated: 2023-04-11. Review status: criteria provided, single submitter. Criteria: ACMG Guidelines, 2015. Collection method: clinical testing. Allele origin: germline. Affected: no.

Ambry Genetics
Classification: Likely benign for Inborn genetic diseases. Last evaluated: 2021-10-29. Review status: criteria provided, single submitter. Criteria: Ambry Variant Classification Scheme 2023. Collection method: clinical testing. Allele origin: germline.

Breakthrough Genomics
Classification: Likely benign. Review status: criteria provided, single submitter. Criteria: ACMG Guidelines, 2015. Collection method: not provided. Allele origin: germline. Inheritance: Autosomal dominant inheritance. Affected: yes.

PreventionGenetics, part of Exact Sciences
Classification: Likely benign for MACF1-related condition. Last evaluated: 2023-02-22. Review status: no assertion criteria provided. Collection method: clinical testing. Allele origin: germline. Not counted in ClinVar's aggregate classification.
Comment: This variant is classified as likely benign based on ACMG/AMP sequence variant interpretation guidelines (Richards et al. 2015 PMID: 25741868, with internal and published modifications).